The following is an entry in ClinVar:

NM_001035.3(RYR2):c.7631T>C (p.Leu2544Pro)

Gene: RYR2 (ryanodine receptor 2; plus strand). Cytogenetic location: 1q43.
Variant type: single nucleotide variant.
Coding change: c.7631T>C on transcript NM_001035.3 (MANE Select); coding-DNA position 7631, T replaced by C.
Protein change: p.Leu2544Pro; replaces leucine 2544 with proline.
Molecular consequence: missense variant.
Genome position (GRCh38, 1-based): chr1:237,649,995, T>C. VCF-style: chr1-237649995-T-C. GRCh37 (hg19) VCF-style: chr1-237813295-T-C.
Other names: short protein forms L2544P.
Identifiers: ClinVar variation 4800089 (VCV004800089.2).

ClinVar aggregate classification (germline): Uncertain significance. Review status: criteria provided, multiple submitters, no conflicts (2 of 4 stars). 2 submissions from 2 submitters: Uncertain significance (2). Last evaluated 2026-04-21.

Conditions:
Catecholaminergic polymorphic ventricular tachycardia 1. Also called: VENTRICULAR TACHYCARDIA, CATECHOLAMINERGIC POLYMORPHIC, 1, WITH OR WITHOUT ATRIAL DYSFUNCTION AND/OR DILATED CARDIOMYOPATHY; RYR2-Related Catecholaminergic Polymorphic Ventricular Tachycardia; VENTRICULAR TACHYCARDIA, STRESS-INDUCED POLYMORPHIC 1. Identifiers: Orphanet 3286, MedGen C1631597, MONDO:0011484, OMIM 604772.

Submissions (2):

Women's Health and Genetics/Laboratory Corporation of America, LabCorp
Classification: Uncertain significance. Last evaluated: 2026-04-21. Review status: criteria provided, single submitter. Criteria: LabCorp Variant Classification Summary - May 2015. Collection method: clinical testing. Allele origin: germline.
Comment: Variant summary: RYR2 c.7631T>C (p.Leu2544Pro) results in a non-conservative amino acid change in the encoded protein sequence. Algorithms developed to predict the effect of missense changes on protein structure and function all suggest that this variant is likely to be disruptive. The variant was absent in 249290 control chromosomes. The available data on variant occurrences in the general population are insufficient to allow any conclusion about variant significance. To our knowledge, no occurrence of c.7631T>C in individuals affected with RYR2-related conditions and no experimental evidence demonstrating its impact on protein function have been reported. ClinVar contains an entry for this variant (Variation ID: 4800089). Based on the evidence outlined above, the variant was classified as uncertain significance.

Labcorp Genetics (formerly Invitae), Labcorp
Classification: Uncertain significance for Catecholaminergic polymorphic ventricular tachycardia 1. Last evaluated: 2025-10-01. Review status: criteria provided, single submitter. Criteria: Invitae Variant Classification Sherloc (09022015). Collection method: clinical testing. Allele origin: germline.
Comment: This sequence change replaces leucine, which is neutral and non-polar, with proline, which is neutral and non-polar, at codon 2544 of the RYR2 protein (p.Leu2544Pro). This variant is not present in population databases (gnomAD no frequency). This variant has not been reported in the literature in individuals affected with RYR2-related conditions. Invitae Evidence Modeling of protein sequence and biophysical properties (such as structural, functional, and spatial information, amino acid conservation, physicochemical variation, residue mobility, and thermodynamic stability) has been performed for this missense variant. However, the output from this modeling did not meet the statistical confidence thresholds required to predict the impact of this variant on RYR2 protein function. In summary, the available evidence is currently insufficient to determine the role of this variant in disease. Therefore, it has been classified as a Variant of Uncertain Significance.